The following is an entry in ClinVar:

NM_004329.3(BMPR1A):c.1305A>T (p.Leu435=)

Gene: BMPR1A (bone morphogenetic protein receptor type 1A; plus strand). Cytogenetic location: 10q23.2.
Variant type: single nucleotide variant.
Coding change: c.1305A>T on transcript NM_004329.3 (MANE Select); coding-DNA position 1305, A replaced by T.
Protein change: p.Leu435=; no amino-acid change (leucine 435 retained).
Molecular consequence: synonymous variant. On other transcripts: non-coding transcript variant (3).
Genome position (GRCh38, 1-based): chr10:86,921,658, A>T. VCF-style: chr10-86921658-A-T. GRCh37 (hg19) VCF-style: chr10-88681415-A-T.
Other names: c.1380A>T, p.Leu460= (NM_001406559.1); c.1353A>T, p.Leu451= (NM_001406560.1); c.1305A>T, p.Leu435= (NM_001406561.1, NM_001406562.1, NM_001406563.1 and 19 more transcripts); c.1299A>T, p.Leu433= (NM_001406583.1); c.1221A>T, p.Leu407= (NM_001406584.1, NM_001406585.1, NM_001406586.1 and 2 more transcripts); c.963A>T, p.Leu321= (NM_001406589.1).
Identifiers: ClinVar variation 3379196 (VCV003379196.1).

ClinVar aggregate classification (germline): Benign (1 of 4 stars; one submission).

Conditions:
Juvenile polyposis syndrome (JPS). Identifiers: Orphanet 2929, MedGen C0345893, MONDO:0017380, OMIM 174900.

Submission:

Myriad Genetics, Inc.
Classification: Benign for Juvenile polyposis syndrome. Last evaluated: 2024-08-07. Review status: criteria provided, single submitter. Criteria: Myriad Autosomal Dominant, Autosomal Recessive and X-Linked Classification Criteria (2023). Collection method: clinical testing. Allele origin: unknown.
Comment: This variant is considered benign. This variant is a silent/synonymous amino acid change and it is not expected to impact splicing.